The following is an entry in ClinVar:

ClinVar aggregate classification (germline): Uncertain significance. Review status: criteria provided, multiple submitters, no conflicts (2 of 4 stars). 2 submissions from 2 submitters: Uncertain significance (2). Last evaluated 2025-06-26.

Conditions:
Familial infantile myasthenia (CMS6). Also called: Congenital myasthenic syndrome type 6; MYASTHENIC SYNDROME, PRESYNAPTIC, CONGENITAL, ASSOCIATED WITH EPISODIC APNEA; MYASTHENIC SYNDROME, CONGENITAL, 6, PRESYNAPTIC. Identifiers: Orphanet 590, MedGen C0393929, MONDO:0009689, OMIM 254210.

Allele frequency attached by ClinVar (database versions not stated): gnomAD 0.00001; gnomAD exomes 0.00001; ExAC 0.00003; TOPMed 0.00004.
gnomAD v4.1: 4 of 1,613,356 alleles (0.00025%); highest among the groups gnomAD compares: Admixed American, 0.0067%; no homozygotes.

Submissions (2):

GeneDx
Classification: Uncertain significance. Last evaluated: 2025-06-26. Review status: criteria provided, single submitter. Criteria: GeneDx Variant Classification Process June 2021. Collection method: clinical testing. Allele origin: germline. Affected: yes.
Comment: Not observed at significant frequency in large population cohorts (gnomAD); In silico analysis supports that this missense variant has a deleterious effect on protein structure/function; Has not been previously published as pathogenic or benign to our knowledge; This variant is associated with the following publications: (PMID: 26080897)

Labcorp Genetics (formerly Invitae), Labcorp
Classification: Uncertain significance for Familial infantile myasthenia. Last evaluated: 2024-12-09. Review status: criteria provided, single submitter. Criteria: Invitae Variant Classification Sherloc (09022015). Collection method: clinical testing. Allele origin: germline.
Comment: This sequence change replaces cysteine, which is neutral and slightly polar, with phenylalanine, which is neutral and non-polar, at codon 269 of the CHAT protein (p.Cys269Phe). This variant is present in population databases (rs757624145, gnomAD 0.009%). This variant has not been reported in the literature in individuals affected with CHAT-related conditions. ClinVar contains an entry for this variant (Variation ID: 2042315). Invitae Evidence Modeling of protein sequence and biophysical properties (such as structural, functional, and spatial information, amino acid conservation, physicochemical variation, residue mobility, and thermodynamic stability) indicates that this missense variant is expected to disrupt CHAT protein function with a positive predictive value of 95%. In summary, the available evidence is currently insufficient to determine the role of this variant in disease. Therefore, it has been classified as a Variant of Uncertain Significance.

NM_020549.5(CHAT):c.806G>T (p.Cys269Phe)

Gene: CHAT (choline O-acetyltransferase; plus strand). Cytogenetic location: 10q11.23.
Variant type: single nucleotide variant.
Coding change: c.806G>T on transcript NM_020549.5 (MANE Select); coding-DNA position 806, G replaced by T.
Protein change: p.Cys269Phe; replaces cysteine 269 with phenylalanine.
Molecular consequence: missense variant.
Genome position (GRCh38, 1-based): chr10:49,625,526, G>T. VCF-style: chr10-49625526-G-T. GRCh37 (hg19) VCF-style: chr10-50833572-G-T.
Other names: c.806G>T (NM_020549.4); c.452G>T, p.Cys151Phe (NM_001142929.2, NM_001142934.2, NM_020984.4 and 2 more transcripts); c.560G>T, p.Cys187Phe (NM_001142933.2); short protein forms C269F, C187F, C151F.
Identifiers: ClinVar variation 2042315 (VCV002042315.3), dbSNP rs757624145, ClinGen allele CA5497275.